The following is an entry in ClinVar:

NM_000153.4(GALC):c.264+2T>C

Gene: GALC (galactosylceramidase; minus strand). Cytogenetic location: 14q31.3.
Variant type: single nucleotide variant.
Coding change: c.264+2T>C on transcript NM_000153.4 (MANE Select); the canonical splice donor site of the intron after coding-DNA position 264, T replaced by C.
Molecular consequence: splice donor variant. On other transcripts: intron variant (1).
Genome position (GRCh38, 1-based): chr14:87,988,453, A>G on the plus strand (T>C on the coding strand, the complement: GALC is on the minus strand). VCF-style: chr14-87988453-A-G. GRCh37 (hg19) VCF-style: chr14-88454797-A-G.
Other names: c.-404+2T>C (NM_001424076.1, NM_001424077.1); c.186+2T>C (NM_001201402.2); c.196-246T>C (NM_001201401.2); c.-173+2T>C (NM_001424075.1); c.96+2T>C (NM_001424072.1, NM_001424073.1, NM_001424071.1); c.-85+2T>C (NM_001424074.1).
Identifiers: ClinVar variation 2808424 (VCV002808424.3), dbSNP rs1235473172, ClinGen allele CA390753308.
Genomic context (GRCh38, chr14:87,988,453, plus strand): 5'-GAAATTCACCATCCAATTTCTAAAATATCACAGGTACCATGAAATAATTATGTTTTCATT[A>G]CCTTAAAGAGATAATCCAATATCTGAGAACGATAGGGCTCTGGGTAATTTACTAGAAGTC-3'

ClinVar aggregate classification (germline): Likely pathogenic (1 of 4 stars; one submission).

Conditions:
Galactosylceramide beta-galactosidase deficiency. Also called: Krabbe Disease; GALACTOCEREBROSIDASE DEFICIENCY; GALC DEFICIENCY; GLOBOID CELL LEUKOENCEPHALOPATHY; Leukodystrophy, Globoid Cell. Identifiers: Orphanet 487, MedGen C0023521, MONDO:0009499, OMIM 245200.

Allele frequency attached by ClinVar (database versions not stated): TOPMed below 0.00001; gnomAD 0.00001.
gnomAD v4.1: 1 of 1,572,672 alleles (0.000064%); highest among the groups gnomAD compares: Non-Finnish European, 0.000088%; no homozygotes.

Submission:

Labcorp Genetics (formerly Invitae), Labcorp
Classification: Likely pathogenic for Galactosylceramide beta-galactosidase deficiency. Last evaluated: 2023-09-27. Review status: criteria provided, single submitter. Criteria: Invitae Variant Classification Sherloc (09022015). Collection method: clinical testing. Allele origin: germline.
Comment: This sequence change affects a donor splice site in intron 2 of the GALC gene. It is expected to disrupt RNA splicing. Variants that disrupt the donor or acceptor splice site typically lead to a loss of protein function (PMID: 16199547), and loss-of-function variants in GALC are known to be pathogenic (PMID: 7437911, 9272171, 16607461). This variant is not present in population databases (gnomAD no frequency). This variant has not been reported in the literature in individuals affected with GALC-related conditions. Algorithms developed to predict the effect of sequence changes on RNA splicing suggest that this variant may disrupt the consensus splice site. In summary, the currently available evidence indicates that the variant is pathogenic, but additional data are needed to prove that conclusively. Therefore, this variant has been classified as Likely Pathogenic.

Literature cited by the submitters: PubMed 16199547; PubMed 7437911; PubMed 9272171; PubMed 16607461.